The following is an entry in ClinVar:

ClinVar aggregate classification (germline): Benign (1 of 4 stars; one submission).

Submission:

GeneDx
Classification: Benign. Last evaluated: 2018-06-14. Review status: criteria provided, single submitter. Criteria: GeneDx Variant Classification (06012015). Collection method: clinical testing. Allele origin: germline. Affected: yes.
Comment: This variant is considered likely benign or benign based on one or more of the following criteria: it is a conservative change, it occurs at a poorly conserved position in the protein, it is predicted to be benign by multiple in silico algorithms, and/or has population frequency not consistent with disease.

NM_144670.6(A2ML1):c.1080+318_1080+320del

Gene: A2ML1 (alpha-2-macroglobulin like 1; plus strand). Cytogenetic location: 12p13.31.
Variant type: Microsatellite.
Coding change: c.1080+318_1080+320del on transcript NM_144670.6 (MANE Select); bases 318 to 320 of the intron after coding-DNA position 1080, 3 bases deleted (AAG; older notation c.1080+318_1080+320delAAG).
Molecular consequence: intron variant.
Genome position (GRCh38, 1-based): chr12:8,839,540-8,839,542, AAG deleted; deleting any 3 consecutive bases within chr12:8,839,535-8,839,542 gives the same sequence; the c. name uses the placement nearest the transcript's 3' end. VCF-style (leftmost placement, unchanged base first): chr12-8839534-TAGA-T. GRCh37 (hg19) VCF-style: chr12-8992130-TAGA-T.
Other names: c.1080+313_1080+315delAGA (NM_144670.4).
Identifiers: ClinVar variation 561810 (VCV000561810.1), dbSNP rs60993517, ClinGen allele CA232673579.